The following is an entry in ClinVar:

NM_000202.8(IDS):c.1466G>T (p.Gly489Val)

Gene: IDS (iduronate 2-sulfatase; minus strand). Cytogenetic location: Xq28.
Variant type: single nucleotide variant.
Coding change: c.1466G>T on transcript NM_000202.8 (MANE Select); coding-DNA position 1466, G replaced by T.
Protein change: p.Gly489Val; replaces glycine 489 with valine.
Molecular consequence: missense variant.
Genome position (GRCh38, 1-based): chrX:149,482,933, C>A on the plus strand (G>T on the coding strand, the complement: IDS is on the minus strand). VCF-style: chrX-149482933-C-A. GRCh37 (hg19) VCF-style: chrX-148564464-C-A.
Other names: c.1196G>T, p.Gly399Val (NM_001166550.4); short protein forms G399V, G489V.
Identifiers: ClinVar variation 3256070 (VCV003256070.2).
Genomic context (GRCh38, chrX:149,482,933, plus strand): 5'-TCATCAGGATTGAAGCCAACCCACACAGTATACCTATAGTCTATGGTGCGTATGGAATAG[C>A]CCATGATCTTTATATCTTTTAAACTCGGCTTGTCAGAATTCCACTGAGGGATGTCTGAAG-3'
Protein context (NP_000193.1, residues 479-499): KPSLKDIKIM[Gly489Val]YSIRTIDYRY

ClinVar aggregate classification (germline): Pathogenic (1 of 4 stars; one submission).

Conditions:
Mucopolysaccharidosis, MPS-II (MPS2). Also called: Hunter Syndrome; IDURONATE 2-SULFATASE DEFICIENCY; Mucopolysaccharidosis Type II; Mucopolysaccharidosis type 2; Attenuated MPS (subtype; formerly known as mild MPS II); Severe MPS II. Identifiers: Orphanet 580, Orphanet 79388, MedGen C0026705, MONDO:0010674, OMIM 309900.

Submission:

Laboratory of Diagnosis and Therapy of Lysosomal Disorders, University of Padova
Classification: Pathogenic for Mucopolysaccharidosis, MPS-II. Last evaluated: 2024-06-07. Review status: criteria provided, single submitter. Criteria: ACMG Guidelines, 2015. Collection method: literature only. Allele origin: germline. Affected: yes. Observed: 1 variant allele.
Comment: Absent from controls (or at low frequency) in gnomAD database (PM2_Moderate), Missense change at the same amino acid residue as a pathogenic variant (PM5_Moderate), Missense variant in a gene with a low rate of benign missense variation (PP2_Supporting), Multiple lines of computational evidence support a deleterious effect (PP3_Supporting), Patient’s phenotype or family history highly specific for the disease (PP4_Strong)

Classification method: ACMG Guidelines [PMID:25741868] with modifications

Literature cited by the submitters: PubMed 22976768.